The following is an entry in ClinVar:

ClinVar aggregate classification (germline): Conflicting classifications of pathogenicity. Review status: criteria provided, conflicting classifications (1 of 4 stars). 2 submissions from 2 submitters: Likely pathogenic (1); Uncertain significance (1). Last evaluated 2024-02-24.

Submissions (2):

Labcorp Genetics (formerly Invitae), Labcorp
Classification: Uncertain significance. Last evaluated: 2024-02-24. Review status: criteria provided, single submitter. Criteria: Invitae Variant Classification Sherloc (09022015). Collection method: clinical testing. Allele origin: germline.
Comment: This sequence change falls in intron 2 of the CFAP410 gene. It does not directly change the encoded amino acid sequence of the CFAP410 protein. It affects a nucleotide within the consensus splice site. This variant is present in population databases (no rsID available, gnomAD 0.007%). This variant has not been reported in the literature in individuals affected with CFAP410-related conditions. ClinVar contains an entry for this variant (Variation ID: 809298). Variants that disrupt the consensus splice site are a relatively common cause of aberrant splicing (PMID: 17576681, 9536098). Algorithms developed to predict the effect of sequence changes on RNA splicing suggest that this variant may disrupt the consensus splice site. In summary, the available evidence is currently insufficient to determine the role of this variant in disease. Therefore, it has been classified as a Variant of Uncertain Significance.

CeGaT Center for Human Genetics Tuebingen
Classification: Likely pathogenic. Last evaluated: 2019-11-01. Review status: criteria provided, single submitter. Criteria: CeGaT Center For Human Genetics Tuebingen Variant Classification Criteria Version 2. Collection method: clinical testing. Allele origin: germline. Affected: yes. Observed: 5 variant alleles.

Literature cited by the submitters: PubMed 17576681 (cited by Labcorp Genetics (formerly Invitae), Labcorp); PubMed 9536098 (cited by Labcorp Genetics (formerly Invitae), Labcorp).

NM_004928.3(CFAP410):c.96+4del

Gene: CFAP410 (cilia and flagella associated protein 410; minus strand). Cytogenetic location: 21q22.3.
Variant type: Deletion.
Coding change: c.96+4del on transcript NM_004928.3 (MANE Select); 4 bases into the intron after coding-DNA position 96, one base deleted (A; older notation c.96+4delA).
Molecular consequence: intron variant.
Genome position (GRCh38, 1-based): chr21:44,337,645, T deleted on the plus strand (A on the coding strand, the reverse complement: CFAP410 is on the minus strand); the first of 2 consecutive T bases (chr21:44,337,645-44,337,646); deleting either gives the same sequence. VCF-style (leftmost placement, unchanged base first): chr21-44337644-CT-C. GRCh37 (hg19) VCF-style: chr21-45757527-CT-C.
Other names: c.96+4del (NM_001271440.2, NM_001271441.2); c.-116+4del (NM_001271442.1).
Identifiers: ClinVar variation 809298 (VCV000809298.47), dbSNP rs1268187387, ClinGen allele CA638120126.